The following is an entry in ClinVar:

ClinVar aggregate classification (germline): Pathogenic (1 of 4 stars; one submission).

Conditions:
Hereditary diffuse gastric adenocarcinoma (HDGC). Also called: DIFFUSE GASTRIC AND LOBULAR BREAST CANCER SYNDROME. Identifiers: Orphanet 26106, MedGen C1708349, MONDO:0007648, OMIM 137215.

Submission:

Labcorp Genetics (formerly Invitae), Labcorp
Classification: Pathogenic for Hereditary diffuse gastric adenocarcinoma. Last evaluated: 2022-06-27. Review status: criteria provided, single submitter. Criteria: Invitae Variant Classification Sherloc (09022015). Collection method: clinical testing. Allele origin: germline.
Comment: This variant is a gross deletion of the genomic region encompassing exon(s) 3 of the CDH1 gene. This deletion is out-of-frame, and is expected to create a premature termination codon and result in an absent or disrupted protein product. Loss-of-function variants in CDH1 are known to be pathogenic (PMID: 15235021, 20373070). A similar copy number variant has been observed in individual(s) with gastric cancer (PMID: 21777349). Algorithms developed to predict the effect of variants on protein structure and function are not available or were not evaluated for this variant. Experimental studies have shown that a similar copy number variant affects CDH1 function (PMID: 21777349). For these reasons, this variant has been classified as Pathogenic.

Literature cited by the submitters: PubMed 15235021; PubMed 20373070; PubMed 21777349.

NC_000016.10:g.(?_68801660)_(68801903_?)del

Gene: CDH1 (cadherin 1; plus strand). Cytogenetic location: 16q22.1.
Variant type: Deletion.
Identifiers: ClinVar variation 640444 (VCV000640444.7).